The following is an entry in ClinVar:

ClinVar aggregate classification (germline): Likely benign (1 of 4 stars; one submission).

Submission:

CeGaT Center for Human Genetics Tuebingen
Classification: Likely benign. Last evaluated: 2024-12-01. Review status: criteria provided, single submitter. Criteria: CeGaT Center For Human Genetics Tuebingen Variant Classification Criteria Version 2. Collection method: clinical testing. Allele origin: germline. Affected: yes. Observed: 1 variant allele.
Comment: AHNAK2: BP4, BP7

NM_138420.4(AHNAK2):c.9270G>T (p.Leu3090=)

Gene: AHNAK2 (AHNAK nucleoprotein 2; minus strand). Cytogenetic location: 14q32.33.
Variant type: single nucleotide variant.
Coding change: c.9270G>T on transcript NM_138420.4 (MANE Select); coding-DNA position 9270, G replaced by T.
Protein change: p.Leu3090=; no amino-acid change (leucine 3090 retained).
Molecular consequence: synonymous variant.
Genome position (GRCh38, 1-based): chr14:104,946,181, C>A on the plus strand (G>T on the coding strand, the complement: AHNAK2 is on the minus strand). VCF-style: chr14-104946181-C-A. GRCh37 (hg19) VCF-style: chr14-105412518-C-A.
Other names: c.8970G>T, p.Leu2990= (NM_001350929.2).
Identifiers: ClinVar variation 3771886 (VCV003771886.13).